The following is an entry in ClinVar:

ClinVar aggregate classification (germline): Conflicting classifications of pathogenicity. Review status: criteria provided, conflicting classifications (1 of 4 stars). 5 submissions from 5 submitters: Uncertain significance (1); Likely benign (4). Last evaluated 2026-01-19.

Conditions:
Charcot-Marie-Tooth disease dominant intermediate E. Also called: CHARCOT-MARIE-TOOTH NEUROPATHY WITH FOCAL SEGMENTAL GLOMERULONEPHRITIS. Identifiers: Orphanet 93114, MedGen C4302667, MONDO:0013758, OMIM 614455.
Focal segmental glomerulosclerosis 5 (FSGS5). Identifiers: Orphanet 656, MedGen C2750475, MONDO:0013191, OMIM 613237.
Inborn genetic diseases. Identifiers: MedGen C0950123, MeSH D030342.
INF2-related disorder. Also called: INF2-related condition.

Allele frequency attached by ClinVar (database versions not stated): gnomAD exomes 0.00005; gnomAD 0.00040 and 0.00043; TOPMed 0.00046; 1000 Genomes Project 30x 0.00047; ExAC 0.00009; ESP Exome Variant Server 0.00016; 1000 Genomes Project 0.00040.
gnomAD v4.1: 98 of 1,612,802 alleles (0.0061%); highest among the groups gnomAD compares: Admixed American, 0.07%; no homozygotes.

Submissions (5):

Labcorp Genetics (formerly Invitae), Labcorp
Classification: Likely benign for Charcot-Marie-Tooth disease dominant intermediate E; Focal segmental glomerulosclerosis 5. Last evaluated: 2026-01-19. Review status: criteria provided, single submitter. Criteria: Invitae Variant Classification Sherloc (09022015). Collection method: clinical testing. Allele origin: germline.

Women's Health and Genetics/Laboratory Corporation of America, LabCorp
Classification: Uncertain significance. Last evaluated: 2025-04-14. Review status: criteria provided, single submitter. Criteria: LabCorp Variant Classification Summary - May 2015. Collection method: clinical testing. Allele origin: germline.
Comment: Variant summary: INF2 c.1966G>A (p.Ala656Thr) results in a non-conservative amino acid change located in the Formin, FH2 domain (IPR015425) of the encoded protein sequence. Four of five in-silico tools predict a benign effect of the variant on protein function. The variant allele was found at a frequency of 5.2e-05 in 247930 control chromosomes, predominantly at a frequency of 0.00046 within the African or African-American subpopulation in the gnomAD database. The available data on variant occurrences in the general population are insufficient to allow any conclusion about variant significance. To our knowledge, no occurrence of c.1966G>A in individuals affected with Focal segmental glomerulosclerosis 5 and no experimental evidence demonstrating its impact on protein function have been reported. ClinVar contains an entry for this variant (Variation ID: 580105). Based on the evidence outlined above, the variant was classified as uncertain significance.

PreventionGenetics, part of Exact Sciences
Classification: Likely benign for INF2-related condition. Last evaluated: 2025-03-27. Review status: criteria provided, single submitter. Criteria: ACMG Guidelines, 2015. Collection method: clinical testing. Allele origin: germline.
Comment: This variant is classified as likely benign based on ACMG/AMP sequence variant interpretation guidelines (Richards et al. 2015 PMID: 25741868, with internal and published modifications).

Ambry Genetics
Classification: Likely benign for Inborn genetic diseases. Last evaluated: 2024-01-08. Review status: criteria provided, single submitter. Criteria: Ambry Variant Classification Scheme 2023. Collection method: clinical testing. Allele origin: germline.

GeneDx
Classification: Likely benign. Last evaluated: 2018-10-31. Review status: criteria provided, single submitter. Criteria: GeneDx Variant Classification Process June 2021. Collection method: clinical testing. Allele origin: germline. Affected: yes.
Comment: This variant is associated with the following publications: (PMID: 28492532)

NM_022489.4(INF2):c.1966G>A (p.Ala656Thr)

Gene: INF2 (inverted formin 2; plus strand). Cytogenetic location: 14q32.33.
Variant type: single nucleotide variant.
Coding change: c.1966G>A on transcript NM_022489.4 (MANE Select); coding-DNA position 1966, G replaced by A.
Protein change: p.Ala656Thr; replaces alanine 656 with threonine.
Molecular consequence: missense variant.
Genome position (GRCh38, 1-based): chr14:104,709,297, G>A. VCF-style: chr14-104709297-G-A. GRCh37 (hg19) VCF-style: chr14-105175634-G-A.
Other names: c.1966G>A, p.Ala656Thr (NM_001031714.4); short protein forms A656T.
Identifiers: ClinVar variation 580105 (VCV000580105.16), dbSNP rs189559257, ClinGen allele CA7372768.